The following is an entry in ClinVar:

NM_015073.3(SIPA1L3):c.4209-3C>T

Gene: SIPA1L3 (signal induced proliferation associated 1 like 3; plus strand). Cytogenetic location: 19q13.13.
Variant type: single nucleotide variant.
Coding change: c.4209-3C>T on transcript NM_015073.3 (MANE Select); 3 bases into the intron before coding-DNA position 4209, C replaced by T.
Molecular consequence: intron variant.
Genome position (GRCh38, 1-based): chr19:38,182,516, C>T. VCF-style: chr19-38182516-C-T. GRCh37 (hg19) VCF-style: chr19-38673156-C-T.
Identifiers: ClinVar variation 2711759 (VCV002711759.2), dbSNP rs201430771, ClinGen allele CA9410268.

ClinVar aggregate classification (germline): Uncertain significance (1 of 4 stars; one submission).

Allele frequency attached by ClinVar (database versions not stated): ExAC 0.00006; ESP Exome Variant Server 0.00015; 1000 Genomes Project 30x 0.00016; 1000 Genomes Project 0.00020.
gnomAD v4.1: 106 of 1,588,310 alleles (0.0067%); highest among the groups gnomAD compares: African/African-American, 0.061%; 2 homozygotes.

Submission:

Labcorp Genetics (formerly Invitae), Labcorp
Classification: Uncertain significance. Last evaluated: 2023-10-22. Review status: criteria provided, single submitter. Criteria: Invitae Variant Classification Sherloc (09022015). Collection method: clinical testing. Allele origin: germline.
Comment: This sequence change falls in intron 15 of the SIPA1L3 gene. It does not directly change the encoded amino acid sequence of the SIPA1L3 protein. It affects a nucleotide within the consensus splice site. This variant is present in population databases (rs201430771, gnomAD 0.02%). This variant has not been reported in the literature in individuals affected with SIPA1L3-related conditions. Variants that disrupt the consensus splice site are a relatively common cause of aberrant splicing (PMID: 17576681, 9536098). Algorithms developed to predict the effect of sequence changes on RNA splicing suggest that this variant is not likely to affect RNA splicing. In summary, the available evidence is currently insufficient to determine the role of this variant in disease. Therefore, it has been classified as a Variant of Uncertain Significance.

Literature cited by the submitters: PubMed 17576681; PubMed 9536098.